The following is an entry in ClinVar:

ClinVar aggregate classification (germline): Pathogenic (1 of 4 stars; one submission).

Submission:

Labcorp Genetics (formerly Invitae), Labcorp
Classification: Pathogenic. Last evaluated: 2023-05-18. Review status: criteria provided, single submitter. Criteria: Invitae Variant Classification Sherloc (09022015). Collection method: clinical testing. Allele origin: germline.
Comment: For these reasons, this variant has been classified as Pathogenic. This variant has not been reported in the literature in individuals affected with ABCA12-related conditions. This variant is not present in population databases (gnomAD no frequency). This sequence change creates a premature translational stop signal (p.Lys1205Serfs*41) in the ABCA12 gene. It is expected to result in an absent or disrupted protein product. Loss-of-function variants in ABCA12 are known to be pathogenic (PMID: 20672373).

Literature cited by the submitters: PubMed 20672373.

NM_173076.3(ABCA12):c.3614_3615del (p.Lys1205fs)

Gene: ABCA12 (ATP binding cassette subfamily A member 12; minus strand). Cytogenetic location: 2q35.
Variant type: Deletion.
Coding change: c.3614_3615del on transcript NM_173076.3 (MANE Select); coding-DNA positions 3614 to 3615, 2 bases deleted (AA; older notation c.3614_3615delAA).
Protein change: p.Lys1205fs; shifts the reading frame from lysine 1205.
Molecular consequence: frameshift variant. On other transcripts: non-coding transcript variant (1).
Genome position (GRCh38, 1-based): chr2:214,990,711-214,990,712, TT deleted on the plus strand (AA on the coding strand, the reverse complement: ABCA12 is on the minus strand); deleting any 2 consecutive bases within chr2:214,990,711-214,990,713 gives the same sequence; the c. name uses the placement nearest the transcript's 3' end. VCF-style (leftmost placement, unchanged base first): chr2-214990710-CTT-C. GRCh37 (hg19) VCF-style: chr2-215855434-CTT-C.
Other names: c.2660_2661del, p.Lys887fs (NM_015657.4); short protein forms K1205fs, K887fs.
Identifiers: ClinVar variation 2865399 (VCV002865399.3), dbSNP rs2469257301, ClinGen allele CA2739278534.
Genomic context (GRCh38, chr2:214,990,710, plus strand): 5'-AACAAACAAAAATGGGTAATTTCCCACTCTGCCATTCCAACGGTTGACTTACCATGAACA[CTT>C]TCAATACATAGCTCAACTCATTCTCCACTGTAACCAGAACAATAAATGGAAAGAAGGCAA-3'